The following is an entry in ClinVar:

ClinVar aggregate classification (germline): Pathogenic. Review status: reviewed by expert panel (3 of 4 stars). 2 submissions from 2 submitters: Pathogenic (1). 1 of the submissions does not count toward it. Last evaluated 2024-09-10.

Conditions:
Hereditary thrombocytopenia and hematological cancer predisposition syndrome associated with RUNX1. Also called: Familial Platelet Disorder with Propensity to Acute Myelogenous Leukemia; Familial thrombocytopenia with propensity to acute myelogenous leukemia; PLATELET DISORDER, ASPIRIN-LIKE; RUNX1 Familial Platelet Disorder with Associated Myeloid Malignancies. Identifiers: Orphanet 71290, MedGen C1832388, MeSH C563324, MONDO:0100083, OMIM 601399.
Hereditary thrombocytopenia and hematologic cancer predisposition syndrome. Identifiers: Orphanet 71290, MedGen CN281654, MONDO:0011071.

Submissions (2):

ClinGen Myeloid Malignancy Variant Curation Expert Panel
Classification: Pathogenic for Hereditary thrombocytopenia and hematologic cancer predisposition syndrome. Last evaluated: 2024-09-10. Review status: reviewed by expert panel. Criteria: ClinGen MyeloMalig ACMG Specifications v2. Collection method: curation. Allele origin: germline. Inheritance: Autosomal dominant inheritance.
Comment: NM_001754.5(RUNX1):c.424del (p.Ala142LeufsTer3) is a frameshift variant which is predicted to undergo nonsense-mediated decay in a gene where loss-of-function is an established mechanism (PVS1). This variant is completely absent from all population databases with at least 20x coverage for RUNX1 (PM2_supporting). This variant is downstream of c.98 (PM5_supporting). In summary, this variant meets criteria to be classified as pathogenic. ACMG/AMP criteria applied, as specified by the Myeloid Malignancy Variant Curation Expert Panel for RUNX1: PVS1, PM2_supporting, PM5_supporting.

Labcorp Genetics (formerly Invitae), Labcorp
Classification: Pathogenic for Hereditary thrombocytopenia and hematological cancer predisposition syndrome associated with RUNX1. Last evaluated: 2023-09-09. Review status: criteria provided, single submitter. Criteria: Invitae Variant Classification Sherloc (09022015). Collection method: clinical testing. Allele origin: germline. Not counted in ClinVar's aggregate classification.
Comment: For these reasons, this variant has been classified as Pathogenic. This variant has not been reported in the literature in individuals affected with RUNX1-related conditions. This variant is not present in population databases (gnomAD no frequency). This sequence change creates a premature translational stop signal (p.Ala142Leufs*3) in the RUNX1 gene. It is expected to result in an absent or disrupted protein product. Loss-of-function variants in RUNX1 are known to be pathogenic (PMID: 18723428, 24100448).

Literature cited by the submitters: PubMed 18723428 (cited by Labcorp Genetics (formerly Invitae), Labcorp); PubMed 24100448 (cited by Labcorp Genetics (formerly Invitae), Labcorp).

NM_001754.5(RUNX1):c.424del (p.Ala142fs)

Genes: RUNX1 (RUNX family transcription factor 1; minus strand), RUNX1-AS1 (RUNX1 antisense RNA 1; plus strand). Cytogenetic location: 21q22.12.
Variant type: Deletion.
Coding change: c.424del on transcript NM_001754.5 (MANE Select); coding-DNA position 424, one base deleted (G; older notation c.424delG).
Protein change: p.Ala142fs; shifts the reading frame from alanine 142.
Molecular consequence: frameshift variant.
Genome position (GRCh38, 1-based): chr21:34,880,641, C deleted on the plus strand (G on the coding strand, the reverse complement: RUNX1 is on the minus strand); the first of 2 consecutive C bases (chr21:34,880,641-34,880,642); deleting either gives the same sequence. VCF-style (leftmost placement, unchanged base first): chr21-34880640-GC-G. GRCh37 (hg19) VCF-style: chr21-36252937-GC-G.
Other names: NM_001754.5(RUNX1):c.424del; p.Ala142fs; c.343del, p.Ala115fs (NM_001001890.3, NM_001122607.2); short protein forms A115fs, A142fs.
Identifiers: ClinVar variation 2759299 (VCV002759299.4), dbSNP rs1569079076, ClinGen allele CA645607374.